The following is an entry in ClinVar:

NM_000384.3(APOB):c.10487C>G (p.Thr3496Ser)

Gene: APOB (apolipoprotein B; minus strand). Cytogenetic location: 2p24.1.
Variant type: single nucleotide variant.
Coding change: c.10487C>G on transcript NM_000384.3 (MANE Select); coding-DNA position 10487, C replaced by G.
Protein change: p.Thr3496Ser; replaces threonine 3496 with serine.
Molecular consequence: missense variant.
Genome position (GRCh38, 1-based): chr2:21,006,381, G>C on the plus strand (C>G on the coding strand, the complement: APOB is on the minus strand). VCF-style: chr2-21006381-G-C. GRCh37 (hg19) VCF-style: chr2-21229253-G-C.
Other names: short protein forms T3496S.
Identifiers: ClinVar variation 3932550 (VCV003932550.1).
Genomic context (GRCh38, chr2:21,006,381, plus strand): 5'-TCACTAGCAATAGTTCCTGAATATTCCCGAGAAAGAACCGAACCCTTGACATCTCCTTTG[G>C]TAGATGACTCAATGGAAAAGTAAGAGGTGAGGCTTTCCAAGCTAAGCTTGTGGTCAACTG-3'
Protein context (NP_000375.3, residues 3486-3506): LTSYFSIESS[Thr3496Ser]KGDVKGSVLS

ClinVar aggregate classification (germline): Uncertain significance (1 of 4 stars; one submission).

Conditions:
Cardiovascular phenotype. Identifiers: MedGen CN230736.

gnomAD v4.1: 9 of 1,613,998 alleles (0.00056%); highest among the groups gnomAD compares: Non-Finnish European, 0.00068%; no homozygotes.

Submission:

Ambry Genetics
Classification: Uncertain significance for Cardiovascular phenotype. Last evaluated: 2025-03-23. Review status: criteria provided, single submitter. Criteria: Ambry Variant Classification Scheme 2023. Collection method: clinical testing. Allele origin: germline.
Comment: The p.T3496S variant (also known as c.10487C>G), located in coding exon 26 of the APOB gene, results from a C to G substitution at nucleotide position 10487. The threonine at codon 3496 is replaced by serine, an amino acid with similar properties. This amino acid position is conserved. In addition, this alteration is predicted to be tolerated by in silico analysis. Based on the available evidence, the clinical significance of this variant remains unclear.